The following is an entry in ClinVar:

ClinVar aggregate classification (germline): Conflicting classifications of pathogenicity. Review status: criteria provided, conflicting classifications (1 of 4 stars). 3 submissions from 3 submitters: Pathogenic (1); Likely pathogenic (1); Uncertain significance (1). Last evaluated 2026-04-16.

Conditions:
Vesicoureteral reflux 8 (VUR8). Identifiers: Orphanet 289365, MedGen C4014831, MONDO:0014422, OMIM 615963.
Ehlers-Danlos syndrome due to tenascin-X deficiency (EDSCLL1). Also called: EDS DUE TO TNX DEFICIENCY; TNX DEFICIENCY; TNXB-Related Classical-Like Ehlers-Danlos Syndrome; EHLERS-DANLOS SYNDROME, CLASSIC-LIKE; Ehlers-Danlos syndrome, classic-like, 1. Identifiers: Orphanet 230839, MedGen C1848029, MONDO:0011670, OMIM 606408.
Cardiovascular phenotype. Identifiers: MedGen CN230736.

Submissions (3):

Ambry Genetics
Classification: Pathogenic for Cardiovascular phenotype. Last evaluated: 2026-04-16. Review status: criteria provided, single submitter. Criteria: Ambry Variant Classification Scheme 2023. Collection method: clinical testing. Allele origin: germline.
Comment: The c.9998dupA pathogenic mutation, located in coding exon 28 of the TNXB gene, results from a duplication of A at nucleotide position 9998, causing a translational frameshift with a predicted alternate stop codon (p.N3333Kfs*35). This alteration was detected in trans with a second pathogenic TNXB alteration in an individual with classic-like Ehlers-Danlos syndrome (EDS) and progressive muscle weakness (Brisset M et al. Neuromuscul Disord, 2020 10;30:833-838). This alteration is expected to result in loss of function by premature protein truncation or nonsense-mediated mRNA decay. As such, this alteration is interpreted as a disease-causing mutation.

GeneDx
Classification: Uncertain significance. Last evaluated: 2024-09-19. Review status: criteria provided, single submitter. Criteria: GeneDx Variant Classification Process June 2021. Collection method: clinical testing. Allele origin: germline. Affected: yes.
Comment: Identified in the presence of a second TNXB variant, phase unknown, in a patient with classical-like Ehlers-Danlos syndrome and slowly progressive muscle weakness who also harbored a deletion at 21q22.3 including COL6A1 and COL6A2 among other genes (PMID: 32988710); Frameshift variant predicted to result in protein truncation or nonsense mediated decay in a gene for which loss of function is a known mechanism of disease; This variant is associated with the following publications: (PMID: 32988710)

Fulgent Genetics
Classification: Likely pathogenic for Ehlers-Danlos syndrome due to tenascin-X deficiency; Vesicoureteral reflux 8. Last evaluated: 2024-04-15. Review status: criteria provided, single submitter. Criteria: ACMG Guidelines, 2015. Collection method: clinical testing. Allele origin: germline.

Literature cited by the submitters: PubMed 32988710 (cited by Ambry Genetics).

NM_001365276.2(TNXB):c.10004dup (p.Asn3335fs)

Gene: TNXB (tenascin XB; minus strand). Cytogenetic location: 6p21.33.
Variant type: Duplication.
Coding change: c.10004dup on transcript NM_001365276.2 (MANE Select); coding-DNA position 10004, one base duplicated (A; older notation c.10004dupA).
Protein change: p.Asn3335fs; shifts the reading frame from asparagine 3335.
Molecular consequence: frameshift variant.
Genome position (GRCh38, 1-based): chr6:32,048,404, T duplicated on the plus strand (A on the coding strand, the reverse complement: TNXB is on the minus strand); the first of 2 consecutive T bases (chr6:32,048,404-32,048,405); duplicating either gives the same sequence. VCF-style (leftmost placement, unchanged base first): chr6-32048403-A-AT. GRCh37 (hg19) VCF-style: chr6-32016180-A-AT.
Other names: c.9998dupA (NM_019105.6); c.9998dup, p.Asn3333fs (NM_019105.8); short protein forms N3333fs, N3335fs.
Identifiers: ClinVar variation 1697158 (VCV001697158.10), dbSNP rs779059111, ClinGen allele CA3733348.